The following is an entry in ClinVar:

NM_173628.4(DNAH17):c.7144G>C (p.Glu2382Gln)

Genes: DNAH17 (dynein axonemal heavy chain 17; minus strand), DNAH17-AS1 (DNAH17 antisense RNA 1; plus strand). Cytogenetic location: 17q25.3.
Variant type: single nucleotide variant.
Coding change: c.7144G>C on transcript NM_173628.4 (MANE Select); coding-DNA position 7144, G replaced by C.
Protein change: p.Glu2382Gln; replaces glutamic acid 2382 with glutamine.
Molecular consequence: missense variant.
Genome position (GRCh38, 1-based): chr17:78,486,091, C>G on the plus strand (G>C on the coding strand, the complement: DNAH17 is on the minus strand). VCF-style: chr17-78486091-C-G. GRCh37 (hg19) VCF-style: chr17-76482173-C-G.
Other names: p.Glu2382Gln; short protein forms E2382Q.
Identifiers: ClinVar variation 2401284 (VCV002401284.4), dbSNP rs535161506, ClinGen allele CA8802450.

ClinVar aggregate classification (germline): Uncertain significance. Review status: criteria provided, multiple submitters, no conflicts (2 of 4 stars). 2 submissions from 2 submitters: Uncertain significance (2). Last evaluated 2023-04-21.

Conditions:
Spermatogenic failure 39. Identifiers: MedGen C5231438, MONDO:0032845, OMIM 618643.
Inborn genetic diseases. Identifiers: MedGen C0950123, MeSH D030342.

Allele frequency attached by ClinVar (database versions not stated): 1000 Genomes Project 30x 0.00016; 1000 Genomes Project 0.00020.
gnomAD v4.1: 172 of 1,613,834 alleles (0.011%); highest among the groups gnomAD compares: South Asian, 0.17%; 1 homozygote.

Submissions (2):

Foundation for Research in Genetics and Endocrinology, FRIGE's Institute of Human Genetics
Classification: Uncertain significance for Spermatogenic failure 39. Last evaluated: 2023-04-21. Review status: criteria provided, single submitter. Criteria: ACMG Guidelines, 2015. Collection method: clinical testing. Allele origin: germline. Inheritance: Autosomal recessive inheritance. Affected: yes. Observed: 1 compound heterozygote.
Comment: A heterozygous missense variation in exon 46 of the DNAH17 gene that results in the amino acid substitution of glycine for glutamate at codon 2382 was detected. The observed variant c.7144G>C (p.Glu2382Gln) has MAF of 0.02% and 0.008% in the 1000 Genomes and gnomAD databases respectively. The in silico prediction of the variant is damaging by FATHMM and EVE. The reference codon is conserved across species. In summary, the variant meets our criteria to be classified as a variant of uncertain significance.

Ambry Genetics
Classification: Uncertain significance for Inborn genetic diseases. Last evaluated: 2022-06-09. Review status: criteria provided, single submitter. Criteria: Ambry Variant Classification Scheme 2023. Collection method: clinical testing. Allele origin: germline.